The following is an entry in ClinVar:

ClinVar aggregate classification (germline): Uncertain significance. Review status: criteria provided, multiple submitters, no conflicts (2 of 4 stars). 2 submissions from 2 submitters: Uncertain significance (2). Last evaluated 2021-07-11.

Allele frequency attached by ClinVar (database versions not stated): ExAC 0.00002; gnomAD exomes 0.00002; gnomAD 0.00003; TOPMed 0.00003; ESP Exome Variant Server 0.00008.
gnomAD v4.1: 30 of 1,609,878 alleles (0.0019%); highest among the groups gnomAD compares: South Asian, 0.019%; no homozygotes.

Submissions (2):

Ambry Genetics
Classification: Uncertain significance. Last evaluated: 2021-07-11. Review status: criteria provided, single submitter. Criteria: Ambry Variant Classification Scheme 2023. Collection method: clinical testing. Allele origin: germline.
Comment: The p.A918V variant (also known as c.2753C>T), located in coding exon 24 of the PRKDC gene, results from a C to T substitution at nucleotide position 2753. The alanine at codon 918 is replaced by valine, an amino acid with similar properties. This amino acid position is conserved. In addition, the in silico prediction for this alteration is inconclusive. Since supporting evidence is limited at this time, the clinical significance of this alteration remains unclear.

Blueprint Genetics
Classification: Uncertain significance. Last evaluated: 2021-06-30. Review status: criteria provided, single submitter. Criteria: ACMG Guidelines, 2015. Collection method: clinical testing. Allele origin: germline.

NM_006904.7(PRKDC):c.2753C>T (p.Ala918Val)

Gene: PRKDC (protein kinase, DNA-activated, catalytic subunit; minus strand). Cytogenetic location: 8q11.21.
Variant type: single nucleotide variant.
Coding change: c.2753C>T on transcript NM_006904.7 (MANE Select); coding-DNA position 2753, C replaced by T.
Protein change: p.Ala918Val; replaces alanine 918 with valine.
Molecular consequence: missense variant.
Genome position (GRCh38, 1-based): chr8:47,913,929, G>A on the plus strand (C>T on the coding strand, the complement: PRKDC is on the minus strand). VCF-style: chr8-47913929-G-A. GRCh37 (hg19) VCF-style: chr8-48826489-G-A.
Other names: c.2753C>T, p.Ala918Val (NM_001081640.2); short protein forms A918V.
Identifiers: ClinVar variation 1795584 (VCV001795584.3), dbSNP rs373422346, ClinGen allele CA4741389.